The following is an entry in ClinVar:

ClinVar aggregate classification (germline): Pathogenic (1 of 4 stars; one submission).

Conditions:
Early-onset coronary artery disease. Identifiers: MedGen C4229399.

Submission:

Women's Health and Genetics/Laboratory Corporation of America, LabCorp
Classification: Pathogenic for Early-onset coronary artery disease. Last evaluated: 2024-12-23. Review status: criteria provided, single submitter. Criteria: LabCorp Variant Classification Summary - May 2015. Collection method: clinical testing. Allele origin: germline.
Comment: Variant summary: APOB c.2249delT (p.Met750ArgfsX2) results in a premature termination codon, predicted to cause a truncation of the encoded protein or absence of the protein due to nonsense mediated decay, which are commonly known mechanisms for disease. The variant was absent in 250278 control chromosomes. To our knowledge, no occurrence of c.2249delT in individuals affected with Early Onset Coronary Artery Disease and no experimental evidence demonstrating its impact on protein function have been reported. ClinVar contains an entry for this variant (Variation ID: 1878402). Based on the evidence outlined above, the variant was classified as pathogenic.

NM_000384.3(APOB):c.2249del (p.Met750fs)

Gene: APOB (apolipoprotein B; minus strand). Cytogenetic location: 2p24.1.
Variant type: Deletion.
Coding change: c.2249del on transcript NM_000384.3 (MANE Select); coding-DNA position 2249, one base deleted (T; older notation c.2249delT).
Protein change: p.Met750fs; shifts the reading frame from methionine 750.
Molecular consequence: frameshift variant.
Genome position (GRCh38, 1-based): chr2:21,025,120, A deleted on the plus strand (T on the coding strand, the reverse complement: APOB is on the minus strand). VCF-style (leftmost placement, unchanged base first): chr2-21025119-CA-C. GRCh37 (hg19) VCF-style: chr2-21247991-CA-C.
Other names: c.2249delT (NM_000384.3); short protein forms M750fs.
Identifiers: ClinVar variation 1878402 (VCV001878402.2), dbSNP rs2465413489, ClinGen allele CA2580064981.